The following is an entry in ClinVar:

ClinVar aggregate classification (germline): Uncertain significance (1 of 4 stars; one submission).

Conditions:
Joubert syndrome. Also called: CEREBELLOPARENCHYMAL DISORDER IV; JOUBERT-BOLTSHAUSER SYNDROME; Familial aplasia of the vermis. Identifiers: Orphanet 475, MedGen C5979921, MONDO:0018772.
Meckel-Gruber syndrome. Also called: DYSENCEPHALIA SPLANCHNOCYSTICA; GRUBER SYNDROME; Dysencephalia splachnocystica. Identifiers: Orphanet 564, MedGen C0265215, MONDO:0018921.

Allele frequency attached by ClinVar (database versions not stated): gnomAD exomes below 0.00001.
gnomAD v4.1: 1 of 1,612,734 alleles (0.000062%); highest among the groups gnomAD compares: Admixed American, 0.0017%; no homozygotes.

Submission:

Labcorp Genetics (formerly Invitae), Labcorp
Classification: Uncertain significance for Joubert syndrome; Meckel-Gruber syndrome. Last evaluated: 2022-11-22. Review status: criteria provided, single submitter. Criteria: Invitae Variant Classification Sherloc (09022015). Collection method: clinical testing. Allele origin: germline.
Comment: In summary, the available evidence is currently insufficient to determine the role of this variant in disease. Therefore, it has been classified as a Variant of Uncertain Significance. Advanced modeling of protein sequence and biophysical properties (such as structural, functional, and spatial information, amino acid conservation, physicochemical variation, residue mobility, and thermodynamic stability) performed at Invitae indicates that this missense variant is not expected to disrupt RPGRIP1L protein function. This variant has not been reported in the literature in individuals affected with RPGRIP1L-related conditions. This variant is present in population databases (no rsID available, gnomAD 0.003%). This sequence change replaces threonine, which is neutral and polar, with isoleucine, which is neutral and non-polar, at codon 401 of the RPGRIP1L protein (p.Thr401Ile).

NM_015272.5(RPGRIP1L):c.1202C>T (p.Thr401Ile)

Gene: RPGRIP1L (RPGRIP1 like; minus strand). Cytogenetic location: 16q12.2.
Variant type: single nucleotide variant.
Coding change: c.1202C>T on transcript NM_015272.5 (MANE Select); coding-DNA position 1202, C replaced by T.
Protein change: p.Thr401Ile; replaces threonine 401 with isoleucine.
Molecular consequence: missense variant.
Genome position (GRCh38, 1-based): chr16:53,664,911, G>A on the plus strand (C>T on the coding strand, the complement: RPGRIP1L is on the minus strand). VCF-style: chr16-53664911-G-A. GRCh37 (hg19) VCF-style: chr16-53698823-G-A.
Other names: c.1202C>T, p.Thr401Ile (NM_001127897.4, NM_001308334.3, NM_001330538.2); short protein forms T401I.
Identifiers: ClinVar variation 1969252 (VCV001969252.5), dbSNP rs1172509858, ClinGen allele CA395921547.
Genomic context (GRCh38, chr16:53,664,911, plus strand): 5'-GTGGTTATTTCAAATGTACCTCTTTCAGTTTTTAATCTGTCAAGGATTTCAGTTTTGTCT[G>A]TTAAGTCAGACTTCAAGGCAGTCTCGAGCTGAGCAATCTGCACTTTCAGCTGTTGCTCCT-3'
Protein context (NP_056087.2, residues 391-411): QLETALKSDL[Thr401Ile]DKTEILDRLK